The following is an entry in ClinVar:

ClinVar aggregate classification (germline): Uncertain significance (1 of 4 stars; one submission).

Allele frequency attached by ClinVar (database versions not stated): gnomAD 0.00001.
gnomAD v4.1: 5 of 1,613,888 alleles (0.00031%); highest among the groups gnomAD compares: African/African-American, 0.004%; no homozygotes.

Submission:

Labcorp Genetics (formerly Invitae), Labcorp
Classification: Uncertain significance. Last evaluated: 2022-08-15. Review status: criteria provided, single submitter. Criteria: Invitae Variant Classification Sherloc (09022015). Collection method: clinical testing. Allele origin: germline.
Comment: This sequence change replaces isoleucine, which is neutral and non-polar, with valine, which is neutral and non-polar, at codon 217 of the MYO7A protein (p.Ile217Val). This variant is not present in population databases (gnomAD no frequency). This variant has not been reported in the literature in individuals affected with MYO7A-related conditions. Advanced modeling of protein sequence and biophysical properties (such as structural, functional, and spatial information, amino acid conservation, physicochemical variation, residue mobility, and thermodynamic stability) performed at Invitae indicates that this missense variant is not expected to disrupt MYO7A protein function. Algorithms developed to predict the effect of sequence changes on RNA splicing suggest that this variant may create or strengthen a splice site. In summary, the available evidence is currently insufficient to determine the role of this variant in disease. Therefore, it has been classified as a Variant of Uncertain Significance.

NM_000260.4(MYO7A):c.649A>G (p.Ile217Val)

Gene: MYO7A (myosin VIIA; plus strand). Cytogenetic location: 11q13.5.
Variant type: single nucleotide variant.
Coding change: c.649A>G on transcript NM_000260.4 (MANE Select); coding-DNA position 649, A replaced by G.
Protein change: p.Ile217Val; replaces isoleucine 217 with valine.
Molecular consequence: missense variant.
Genome position (GRCh38, 1-based): chr11:77,156,918, A>G. VCF-style: chr11-77156918-A-G. GRCh37 (hg19) VCF-style: chr11-76867964-A-G.
Other names: c.649A>G, p.Ile217Val (NM_001127180.2); c.616A>G, p.Ile206Val (NM_001369365.1); short protein forms I206V, I217V.
Identifiers: ClinVar variation 1982200 (VCV001982200.1), dbSNP rs1952522288, ClinGen allele CA381932136.